The following is an entry in ClinVar:

NM_020975.6(RET):c.2054T>C (p.Val685Ala)

Gene: RET (ret proto-oncogene; plus strand). Cytogenetic location: 10q11.21.
Variant type: single nucleotide variant.
Coding change: c.2054T>C on transcript NM_020975.6 (MANE Select); coding-DNA position 2054, T replaced by C.
Protein change: p.Val685Ala; replaces valine 685 with alanine.
Molecular consequence: missense variant.
Genome position (GRCh38, 1-based): chr10:43,114,654, T>C. VCF-style: chr10-43114654-T-C. GRCh37 (hg19) VCF-style: chr10-43610102-T-C.
Other names: c.2054T>C, p.Val685Ala (NM_000323.2, NM_001406743.1, NM_001406744.1 and 4 more transcripts); c.1292T>C, p.Val431Ala (NM_001355216.2); c.1925T>C, p.Val642Ala (NM_001406761.1, NM_001406764.1, NM_001406762.1); c.1658T>C, p.Val553Ala (NM_001406772.1, NM_001406769.1); c.1616T>C, p.Val539Ala (NM_001406773.1, NM_001406771.1); c.1529T>C, p.Val510Ala (NM_001406774.1); c.1328T>C, p.Val443Ala (NM_001406775.1, NM_001406776.1, NM_001406777.1 and 1 more transcripts); c.1157T>C, p.Val386Ala (NM_001406782.1, NM_001406779.1, NM_001406780.1 and 1 more transcripts); and 10 more; short protein forms V431A, V685A, V202A, V355A, V443A, V510A, V250A, V386A.
Identifiers: ClinVar variation 1060515 (VCV001060515.13), dbSNP rs1422796781, ClinGen allele CA376553219.

ClinVar aggregate classification (germline): Uncertain significance. Review status: criteria provided, multiple submitters, no conflicts (2 of 4 stars). 2 submissions from 2 submitters: Uncertain significance (2). Last evaluated 2025-12-02.

Conditions:
Hereditary cancer-predisposing syndrome. Also called: Neoplastic Syndromes, Hereditary; Hereditary Cancer Syndrome; Hereditary neoplastic syndrome; Tumor predisposition. Identifiers: Orphanet 140162, MedGen C0027672, MeSH D009386, MONDO:0015356.
Multiple endocrine neoplasia, type 2 (MEN2). Identifiers: Orphanet 653, MedGen C4048306, MONDO:0019003. Disease mechanism: gain of function.

gnomAD v4.1: 1 of 1,612,718 alleles (0.000062%); highest among the groups gnomAD compares: Non-Finnish European, 0.000085%; no homozygotes.

Submissions (2):

Labcorp Genetics (formerly Invitae), Labcorp
Classification: Uncertain significance for Multiple endocrine neoplasia, type 2. Last evaluated: 2025-12-02. Review status: criteria provided, single submitter. Criteria: Invitae Variant Classification Sherloc (09022015). Collection method: clinical testing. Allele origin: germline.
Comment: This sequence change replaces valine, which is neutral and non-polar, with alanine, which is neutral and non-polar, at codon 685 of the RET protein (p.Val685Ala). This variant is not present in population databases (gnomAD no frequency). This variant has not been reported in the literature in individuals affected with RET-related conditions. ClinVar contains an entry for this variant (Variation ID: 1060515). An algorithm developed to predict the effect of missense changes on protein structure and function (PolyPhen-2) suggests that this variant is likely to be tolerated. In summary, the available evidence is currently insufficient to determine the role of this variant in disease. Therefore, it has been classified as a Variant of Uncertain Significance.

Ambry Genetics
Classification: Uncertain significance for Hereditary cancer-predisposing syndrome. Last evaluated: 2024-10-08. Review status: criteria provided, single submitter. Criteria: Ambry Variant Classification Scheme 2023. Collection method: clinical testing. Allele origin: germline.
Comment: The p.V685A variant (also known as c.2054T>C), located in coding exon 11 of the RET gene, results from a T to C substitution at nucleotide position 2054. The valine at codon 685 is replaced by alanine, an amino acid with similar properties. This amino acid position is not well conserved in available vertebrate species. In addition, this alteration is predicted to be tolerated by in silico analysis. Based on the available evidence, the clinical significance of this variant remains unclear.